The following is an entry in ClinVar:

NM_004525.3(LRP2):c.2781T>G (p.Phe927Leu)

Gene: LRP2 (LDL receptor related protein 2; minus strand). Cytogenetic location: 2q31.1.
Variant type: single nucleotide variant.
Coding change: c.2781T>G on transcript NM_004525.3 (MANE Select); coding-DNA position 2781, T replaced by G.
Protein change: p.Phe927Leu; replaces phenylalanine 927 with leucine.
Molecular consequence: missense variant.
Genome position (GRCh38, 1-based): chr2:169,247,505, A>C on the plus strand (T>G on the coding strand, the complement: LRP2 is on the minus strand). VCF-style: chr2-169247505-A-C. GRCh37 (hg19) VCF-style: chr2-170104015-A-C.
Other names: short protein forms F927L.
Identifiers: ClinVar variation 1358492 (VCV001358492.8), dbSNP rs2105395056, ClinGen allele CA349154436.

ClinVar aggregate classification (germline): Uncertain significance (1 of 4 stars; one submission).

Allele frequency attached by ClinVar (database versions not stated): gnomAD exomes below 0.00001.
gnomAD v4.1: 2 of 1,614,166 alleles (0.00012%); highest among the groups gnomAD compares: Non-Finnish European, 0.000085%; no homozygotes.

Submission:

Labcorp Genetics (formerly Invitae), Labcorp
Classification: Uncertain significance. Last evaluated: 2021-06-02. Review status: criteria provided, single submitter. Criteria: Invitae Variant Classification Sherloc (09022015). Collection method: clinical testing. Allele origin: germline.
Comment: This sequence change replaces phenylalanine with leucine at codon 927 of the LRP2 protein (p.Phe927Leu). The phenylalanine residue is moderately conserved and there is a small physicochemical difference between phenylalanine and leucine. This variant is not present in population databases (ExAC no frequency). This variant has not been reported in the literature in individuals with LRP2-related conditions. Algorithms developed to predict the effect of missense changes on protein structure and function are either unavailable or do not agree on the potential impact of this missense change (SIFT: "Deleterious"; PolyPhen-2: "Benign"; Align-GVGD: "Class C0"). In summary, the available evidence is currently insufficient to determine the role of this variant in disease. Therefore, it has been classified as a Variant of Uncertain Significance.